The following continues an entry in ClinVar:

NM_000478.6(ALPL):c.550C>T (p.Arg184Trp)

Gene: ALPL. ClinVar aggregate classification (germline): Pathogenic/Likely pathogenic. Pathogenic (15); Likely pathogenic (2).

Submissions 9 to 18 of 18:

Ambry Genetics
Classification: Pathogenic for Inborn genetic diseases. Last evaluated: 2024-04-15. Review status: criteria provided, single submitter. Criteria: Ambry Variant Classification Scheme 2023. Collection method: clinical testing. Allele origin: germline.
Comment: The c.550C>T (p.R184W) alteration is located in exon 6 (coding exon 5) of the ALPL gene. This alteration results from a C to T substitution at nucleotide position 550, causing the arginine (R) at amino acid position 184 to be replaced by a tryptophan (W). This variant has been identified in conjunction with other ALPLvariant(s) in individuals with features consistent with ALPL-related hypophosphatasia (Mornet, 1993; Reibel, 2009; Rockman-Greenberg, 2022; Yazici, 2022). In multiple assays testing ALPL function, this variant showed a significant decrease in alkaline phosphatase activity; however, in assays testing a dominant negative effect, this variant showed varying results (Lia-Baldini, 2001; Fauvert, 2009; Michigami, 2020; Del Angel, 2020). Based on data from gnomAD, the T allele has an overall frequency of 0.001% (4/282484) total alleles studied. The highest observed frequency was 0.003% (1/35408) of Latino alleles. This amino acid position is highly conserved in available vertebrate species. This alteration is predicted to be deleterious by in silico analysis. Based on the available evidence, the clinical significance of the ALPL c.550C>T (p.R184W) alteration is pathogenic for autosomal dominant and autosomal recessive ALPL-related hypophosphatasia (loss of function mechanism of disease); however, its clinical significance for autosomal dominant ALPL-related hypophosphatasia (dominant negative mechanism of disease) is uncertain.

Baylor Genetics
Classification: Pathogenic for Adult hypophosphatasia. Last evaluated: 2024-01-20. Review status: criteria provided, single submitter. Criteria: ACMG Guidelines, 2015. Collection method: clinical testing. Allele origin: unknown.

GeneDx
Classification: Pathogenic. Last evaluated: 2023-03-17. Review status: criteria provided, single submitter. Criteria: GeneDx Variant Classification Process June 2021. Collection method: clinical testing. Allele origin: germline. Affected: yes.
Comment: Published functional studies show significantly reduced activity compared to wildtype and demonstrate a dominant-negative effect (Fauvert et al., 2009; Del Angel et al., 2020); Not observed at significant frequency in large population cohorts (gnomAD); In silico analysis supports that this missense variant has a deleterious effect on protein structure/function; This variant is associated with the following publications: (PMID: 25731960, 23791648, 26432670, 19232125, 26219717, 9781036, 19500388, 11479741, 31600233, 29236161, 31707452, 35068125, 33349304, 36553293, 33814268, 36097602, 30049651, 24276437, 10332035, 32160374, 33549410)

Women's Health and Genetics/Laboratory Corporation of America, LabCorp
Classification: Pathogenic for Hypophosphatasia. Last evaluated: 2022-12-08. Review status: criteria provided, single submitter. Criteria: LabCorp Variant Classification Summary - May 2015. Collection method: clinical testing. Allele origin: germline.
Comment: Variant summary: ALPL c.550C>T (p.Arg184Trp) results in a non-conservative amino acid change located in the active site domain (Zurutuza_1999) of the encoded protein sequence. Five of five in-silico tools predict a damaging effect of the variant on protein function. The variant allele was found at a frequency of 1.2e-05 in 251120 control chromosomes. c.550C>T has been reported in the literature in both heterozygous as well as biallelic compound heterozygous genotypes in multiple individuals affected with Perinatal/Odonto/Perinatal benign and adult forms of Hypophosphatasia ((example, PMID: 30049651, 32160374, 19500388, 33814268, 31600233, 19232125, 33549410, 26432670, 24276437, 25731960, 10222035). These data indicate that the variant is very likely to be associated with disease. At least two publications report consistent experimental evidence evaluating an impact on protein function (example, 19500388, 32160374). The most pronounced variant effect results in <1% of normal tissue-nonspecific alkaline phosphatase (TNSALP) activity in-vitro and a dominant negative effect in a heterozygous genotype. The dominant mutations are considered severe alleles that inhibit the normal monomer when both the normal and the mutated protein form a dimer. Six clinical diagnostic laboratories have submitted clinical-significance assessments for this variant to ClinVar after 2014 (VUS, n=1; P/LP, n=5). Based on the evidence outlined above, the variant was classified as pathogenic.

Revvity Omics, Revvity
Classification: Pathogenic. Last evaluated: 2022-08-03. Review status: criteria provided, single submitter. Criteria: ACMG Guidelines, 2015. Collection method: clinical testing. Allele origin: germline.

JKU Lab, Dept of Paediatrics, Johannes Kepler University
Classification: Pathogenic for Hypophosphatasia. Last evaluated: 2022-03-04. Review status: criteria provided, single submitter. Criteria: ACMG Guidelines, 2015. Collection method: clinical testing. Allele origin: germline. Affected: yes. Observed: 1 compound heterozygote.
Comment: GnomAD frequencies ALL:0.0014% - AMR:0.0028% - NFE:0.0023%.

Molecular Diagnostics Laboratory, M Health Fairview: University of Minnesota
Classification: Pathogenic for Hypophosphatasia. Last evaluated: 2021-09-15. Review status: criteria provided, single submitter. Criteria: ACMG Guidelines, 2015. Collection method: clinical testing. Allele origin: germline. Affected: yes.

Athena Diagnostics
Classification: Likely pathogenic. Last evaluated: 2021-02-11. Review status: criteria provided, single submitter. Criteria: Athena Diagnostics Criteria. Collection method: clinical testing. Allele origin: unknown.
Comment: This variant has been identified in multiple individuals associated with autosomal dominant and recessive ALPL-related disorders (PMID: 25731960, 32160374, 31600233, 19232125, 19500388). Assessment of experimental evidence suggests this variant may have a dominant-negative effect and could result in abnormal protein function (PMID: 19500388, 31707452). The frequency of this variant in the general population is consistent with pathogenicity.This observation is not an independent occurrence and has been identified in the same individual by RCIGM, the other laboratory participating in the GEMINI study.

Genome Diagnostics Laboratory, The Hospital for Sick Children
Classification: Likely pathogenic for Osteogenesis imperfecta. Last evaluated: 2020-09-04. Review status: criteria provided, single submitter. Criteria: ACMG Guidelines, 2015. Collection method: clinical testing. Allele origin: germline.

Counsyl
Classification: Likely pathogenic for Infantile hypophosphatasia. Last evaluated: 2018-05-03. Review status: no assertion criteria provided. Collection method: clinical testing. Allele origin: unknown. Not counted in ClinVar's aggregate classification.

Literature cited by the submitters: PubMed 9781036 (cited by 5 submitters); PubMed 10332035 (cited by Labcorp Genetics (formerly Invitae), Labcorp and Women's Health and Genetics/Laboratory Corporation of America, LabCorp); PubMed 11479741 (cited by 4 submitters); PubMed 19232125 (cited by 6 submitters); PubMed 19500388 (cited by 6 submitters); PubMed 24276437 (cited by 4 submitters); PubMed 25731960 (cited by 6 submitters); PubMed 26432670 (cited by 6 submitters); PubMed 23791648 (cited by Mayo Clinic Laboratories, Mayo Clinic); PubMed 31600233 (cited by 5 submitters); PubMed 32160374 (cited by 5 submitters); PubMed 33549410 (cited by Mayo Clinic Laboratories, Mayo Clinic and Women's Health and Genetics/Laboratory Corporation of America, LabCorp); PubMed 34633109 (cited by Mayo Clinic Laboratories, Mayo Clinic); PubMed 35068125 (cited by Mayo Clinic Laboratories, Mayo Clinic and Ambry Genetics); PubMed 36097602 (cited by 3 submitters); PubMed 36553293 (cited by Mayo Clinic Laboratories, Mayo Clinic); PubMed 37898381 (cited by Mayo Clinic Laboratories, Mayo Clinic); PubMed 38884565 (cited by Mayo Clinic Laboratories, Mayo Clinic); PubMed 31707452 (cited by Genomenon, Inc and Ambry Genetics); PubMed 32973344 (cited by Genomenon, Inc); PubMed 29236161 (cited by Genomenon, Inc); PubMed 33814268 (cited by Natera, Inc. and Women's Health and Genetics/Laboratory Corporation of America, LabCorp); PubMed 30049651 (cited by Women's Health and Genetics/Laboratory Corporation of America, LabCorp); PubMed 22014174 (cited by Counsyl); PubMed 16769381 (cited by Counsyl).